The following is an entry in ClinVar:

ClinVar aggregate classification (germline): Uncertain significance (1 of 4 stars; one submission).

Submission:

CeGaT Center for Human Genetics Tuebingen
Classification: Uncertain significance. Last evaluated: 2022-03-01. Review status: criteria provided, single submitter. Criteria: CeGaT Center For Human Genetics Tuebingen Variant Classification Criteria Version 2. Collection method: clinical testing. Allele origin: germline. Affected: yes. Observed: 1 variant allele.
Comment: HNRNPU: PM2, PP2

NM_031844.3(HNRNPU):c.313G>C (p.Glu105Gln)

Gene: HNRNPU (heterogeneous nuclear ribonucleoprotein U; minus strand). Cytogenetic location: 1q44.
Variant type: single nucleotide variant.
Coding change: c.313G>C on transcript NM_031844.3 (MANE Select); coding-DNA position 313, G replaced by C.
Protein change: p.Glu105Gln; replaces glutamic acid 105 with glutamine.
Molecular consequence: missense variant.
Genome position (GRCh38, 1-based): chr1:244,863,995, C>G on the plus strand (G>C on the coding strand, the complement: HNRNPU is on the minus strand). VCF-style: chr1-244863995-C-G. GRCh37 (hg19) VCF-style: chr1-245027297-C-G.
Other names: c.313G>C, p.Glu105Gln (NM_004501.3); short protein forms E105Q.
Identifiers: ClinVar variation 2640226 (VCV002640226.24), dbSNP rs2527895441, ClinGen allele CA345497397.